The following is an entry in ClinVar:

NM_003873.7(NRP1):c.806T>C (p.Val269Ala)

Gene: NRP1 (neuropilin 1; minus strand). Cytogenetic location: 10p11.22.
Variant type: single nucleotide variant.
Coding change: c.806T>C on transcript NM_003873.7 (MANE Select); coding-DNA position 806, T replaced by C.
Protein change: p.Val269Ala; replaces valine 269 with alanine.
Molecular consequence: missense variant. On other transcripts: non-coding transcript variant (1).
Genome position (GRCh38, 1-based): chr10:33,256,324, A>G on the plus strand (T>C on the coding strand, the complement: NRP1 is on the minus strand). VCF-style: chr10-33256324-A-G. GRCh37 (hg19) VCF-style: chr10-33545252-A-G.
Other names: c.806T>C, p.Val269Ala (NM_001024628.3, NM_001024629.3, NM_001244972.2 and 2 more transcripts); short protein forms V269A.
Identifiers: ClinVar variation 5001106 (VCV005001106.1).

ClinVar aggregate classification (germline): Uncertain significance (1 of 4 stars; one submission).

Conditions:
NRP1-related disorder. Also called: NRP1-related condition.

Submission:

PreventionGenetics, part of Exact Sciences
Classification: Uncertain significance for NRP1-related condition. Last evaluated: 2025-06-02. Review status: criteria provided, single submitter. Criteria: ACMG Guidelines, 2015. Collection method: clinical testing. Allele origin: germline.
Comment: The NRP1 c.806T>C variant is predicted to result in the amino acid substitution p.Val269Ala. To our knowledge, this variant has not been reported in the literature or in a large population database (gnomAD), indicating this variant is rare. At this time, the clinical significance of this variant is uncertain due to the absence of conclusive functional and genetic evidence.